The following is an entry in ClinVar:

NM_003072.5(SMARCA4):c.2001+6_2001+7del

Gene: SMARCA4 (SWI/SNF related BAF chromatin remodeling complex subunit ATPase 4; plus strand). Cytogenetic location: 19p13.2.
Variant type: Microsatellite.
Coding change: c.2001+6_2001+7del on transcript NM_003072.5 (MANE Select); bases 6 to 7 of the intron after coding-DNA position 2001, 2 bases deleted (AG; older notation c.2001+6_2001+7delAG).
Molecular consequence: intron variant.
Genome position (GRCh38, 1-based): chr19:11,003,403-11,003,404, AG deleted; deleting any 2 consecutive bases within chr19:11,003,401-11,003,404 gives the same sequence; the c. name uses the placement nearest the transcript's 3' end. VCF-style (leftmost placement, unchanged base first): chr19-11003400-AAG-A. GRCh37 (hg19) VCF-style: chr19-11114076-AAG-A.
Other names: c.2001+6_2001+7del (NM_001128844.3, NM_001128849.3, NM_001128847.4 and 4 more transcripts).
Identifiers: ClinVar variation 963862 (VCV000963862.9), dbSNP rs2087849684, ClinGen allele CA2322716410.
Genomic context (GRCh38, chr19:11,003,400, plus strand): 5'-GTATGAAGTAGCTCCGAGGTCTGATAGTGAAGAAAGTGGCTCAGAAGAAGAGGAAGAGGT[AAG>A]AGTGCATTTCCTGGCTTTCAAGGCTCTCAGTGCCCACTGGCAGTGACTTCCACCCTGTGT-3'

ClinVar aggregate classification (germline): Uncertain significance (1 of 4 stars; one submission).

Conditions:
Rhabdoid tumor predisposition syndrome 2 (RTPS2). Identifiers: Orphanet 231108, Orphanet 69077, MedGen C2750074, MONDO:0013224, OMIM 613325.

Submission:

Labcorp Genetics (formerly Invitae), Labcorp
Classification: Uncertain significance for Rhabdoid tumor predisposition syndrome 2. Last evaluated: 2019-10-13. Review status: criteria provided, single submitter. Criteria: Invitae Variant Classification Sherloc (09022015). Collection method: clinical testing. Allele origin: germline.
Comment: This variant is not present in population databases (ExAC no frequency). In summary, the available evidence is currently insufficient to determine the role of this variant in disease. Therefore, it has been classified as a Variant of Uncertain Significance. Nucleotide substitutions within the consensus splice site are a relatively common cause of aberrant splicing (PMID: 17576681, 9536098). Algorithms developed to predict the effect of sequence changes on RNA splicing suggest that this variant is not likely to affect RNA splicing, but this prediction has not been confirmed by published transcriptional studies. This variant has not been reported in the literature in individuals with SMARCA4-related conditions. This sequence change falls in intron 13 of the SMARCA4 gene. It does not directly change the encoded amino acid sequence of the SMARCA4 protein, but it affects a nucleotide within the consensus splice site of the intron.

Literature cited by the submitters: PubMed 17576681; PubMed 9536098.